The following is an entry in ClinVar:

ClinVar aggregate classification (germline): Uncertain significance (1 of 4 stars; one submission).

Conditions:
Cranioectodermal dysplasia 1 (CED1). Also called: LEVIN SYNDROME I. Identifiers: Orphanet 1515, MedGen C0432235, MONDO:0021093, OMIM 218330.

Allele frequency attached by ClinVar (database versions not stated): ESP Exome Variant Server 0.00008.
gnomAD v4.1: 7 of 1,614,182 alleles (0.00043%); highest among the groups gnomAD compares: Non-Finnish European, 0.00059%; no homozygotes.

Submission:

Labcorp Genetics (formerly Invitae), Labcorp
Classification: Uncertain significance for Cranioectodermal dysplasia 1. Last evaluated: 2021-11-26. Review status: criteria provided, single submitter. Criteria: Invitae Variant Classification Sherloc (09022015). Collection method: clinical testing. Allele origin: germline.
Comment: This variant has not been reported in the literature in individuals affected with IFT122-related conditions. This variant is not present in population databases (gnomAD no frequency). This sequence change replaces methionine, which is neutral and non-polar, with arginine, which is basic and polar, at codon 821 of the IFT122 protein (p.Met821Arg). Algorithms developed to predict the effect of missense changes on protein structure and function (SIFT, PolyPhen-2, Align-GVGD) all suggest that this variant is likely to be disruptive. In summary, the available evidence is currently insufficient to determine the role of this variant in disease. Therefore, it has been classified as a Variant of Uncertain Significance.

NM_052989.3(IFT122):c.2309T>G (p.Met770Arg)

Gene: IFT122 (intraflagellar transport 122; plus strand). Cytogenetic location: 3q22.1.
Variant type: single nucleotide variant.
Coding change: c.2309T>G on transcript NM_052989.3 (MANE Select); coding-DNA position 2309, T replaced by G.
Protein change: p.Met770Arg; replaces methionine 770 with arginine.
Molecular consequence: missense variant.
Genome position (GRCh38, 1-based): chr3:129,500,002, T>G. VCF-style: chr3-129500002-T-G. GRCh37 (hg19) VCF-style: chr3-129218845-T-G.
Other names: c.2285T>G, p.Met762Arg (NM_001280541.2); c.1859T>G, p.Met620Arg (NM_001280545.2); c.1682T>G, p.Met561Arg (NM_001280546.2); c.2309T>G, p.Met770Arg (NM_001410808.1); c.2255T>G, p.Met752Arg (NM_001410809.1); c.2132T>G, p.Met711Arg (NM_001410810.1, NM_018262.4); c.2078T>G, p.Met693Arg (NM_001410811.1, NM_001410813.1); c.1976T>G, p.Met659Arg (NM_001410815.1, NM_052990.3); and 2 more; short protein forms M620R, M659R, M693R, M561R, M752R, M762R, M770R, M641R.
Identifiers: ClinVar variation 2077582 (VCV002077582.4), dbSNP rs138715299, ClinGen allele CA82626886.